The following is an entry in ClinVar:

ClinVar aggregate classification (germline): Uncertain significance (1 of 4 stars; one submission).

Conditions:
Lipodystrophy, partial, acquired, susceptibility to (APLD). Also called: APLD, SUSCEPTIBILITY TO. Identifiers: MedGen C3887501, MONDO:0100476, OMIM 608709.
Progressive myoclonic epilepsy type 9. Identifiers: Orphanet 457265, MedGen C4225289, MONDO:0014685, OMIM 616540.

gnomAD v4.1: 1 of 1,611,956 alleles (0.000062%); no homozygotes.

Submission:

Labcorp Genetics (formerly Invitae), Labcorp
Classification: Uncertain significance for Progressive myoclonic epilepsy type 9; Lipodystrophy, partial, acquired, susceptibility to. Last evaluated: 2024-02-24. Review status: criteria provided, single submitter. Criteria: Invitae Variant Classification Sherloc (09022015). Collection method: clinical testing. Allele origin: germline.
Comment: This sequence change falls in intron 7 of the LMNB2 gene. It does not directly change the encoded amino acid sequence of the LMNB2 protein. It affects a nucleotide within the consensus splice site. This variant is present in population databases (no rsID available, gnomAD 0.0009%). This variant has not been reported in the literature in individuals affected with LMNB2-related conditions. ClinVar contains an entry for this variant (Variation ID: 568398). Variants that disrupt the consensus splice site are a relatively common cause of aberrant splicing (PMID: 17576681, 9536098). Algorithms developed to predict the effect of sequence changes on RNA splicing suggest that this variant is not likely to affect RNA splicing. In summary, the available evidence is currently insufficient to determine the role of this variant in disease. Therefore, it has been classified as a Variant of Uncertain Significance.

Literature cited by the submitters: PubMed 17576681; PubMed 9536098.

NM_032737.4(LMNB2):c.1202+4C>G

Gene: LMNB2 (lamin B2; minus strand). Cytogenetic location: 19p13.3.
Variant type: single nucleotide variant.
Coding change: c.1202+4C>G on transcript NM_032737.4 (MANE Select); 4 bases into the intron after coding-DNA position 1202, C replaced by G.
Molecular consequence: intron variant.
Genome position (GRCh38, 1-based): chr19:2,434,291, G>C on the plus strand (C>G on the coding strand, the complement: LMNB2 is on the minus strand). VCF-style: chr19-2434291-G-C. GRCh37 (hg19) VCF-style: chr19-2434289-G-C.
Identifiers: ClinVar variation 568398 (VCV000568398.8), dbSNP rs756666958, ClinGen allele CA631306870.
Genomic context (GRCh38, chr19:2,434,291, plus strand): 5'-GCCTCTCCTCCTGCCCTGCCCCTCCTCCTCACTCTGTGCTCCCAAGCCTCCTGGCCTGCC[G>C]CACCTCTCCTCCTCGCCCTCCAGGAGCTTCCGGTAGGCGTTGATCTCCATGTCCAGGGCC-3'